The following is an entry in ClinVar:

ClinVar aggregate classification (germline): Uncertain significance (1 of 4 stars; one submission).

Conditions:
Infantile neuroaxonal dystrophy (NBIA2A). Also called: NEURODEGENERATION WITH BRAIN IRON ACCUMULATION 2A; SEITELBERGER DISEASE; Infantile neuroaxonal dystrophy 1. Identifiers: Orphanet 35069, MedGen C0270724, MONDO:0024457, OMIM 256600.

gnomAD v4.1: 3 of 1,614,124 alleles (0.00019%); highest among the groups gnomAD compares: African/African-American, 0.0013%; no homozygotes.

Submission:

Labcorp Genetics (formerly Invitae), Labcorp
Classification: Uncertain significance for Infantile neuroaxonal dystrophy. Last evaluated: 2022-06-20. Review status: criteria provided, single submitter. Criteria: Invitae Variant Classification Sherloc (09022015). Collection method: clinical testing. Allele origin: germline.
Comment: This sequence change replaces arginine, which is basic and polar, with histidine, which is basic and polar, at codon 161 of the PLA2G6 protein (p.Arg161His). This variant is not present in population databases (gnomAD no frequency). This variant has not been reported in the literature in individuals affected with PLA2G6-related conditions. Advanced modeling of protein sequence and biophysical properties (such as structural, functional, and spatial information, amino acid conservation, physicochemical variation, residue mobility, and thermodynamic stability) performed at Invitae indicates that this missense variant is expected to disrupt PLA2G6 protein function. In summary, the available evidence is currently insufficient to determine the role of this variant in disease. Therefore, it has been classified as a Variant of Uncertain Significance.

NM_003560.4(PLA2G6):c.482G>A (p.Arg161His)

Gene: PLA2G6 (phospholipase A2 group VI; minus strand). Cytogenetic location: 22q13.1.
Variant type: single nucleotide variant.
Coding change: c.482G>A on transcript NM_003560.4 (MANE Select); coding-DNA position 482, G replaced by A.
Protein change: p.Arg161His; replaces arginine 161 with histidine.
Molecular consequence: missense variant. On other transcripts: 5 prime UTR variant (3).
Genome position (GRCh38, 1-based): chr22:38,143,232, C>T on the plus strand (G>A on the coding strand, the complement: PLA2G6 is on the minus strand). VCF-style: chr22-38143232-C-T. GRCh37 (hg19) VCF-style: chr22-38539239-C-T.
Other names: c.482G>A, p.Arg161His (NM_001004426.3, NM_001199562.3, NM_001349864.2 and 2 more transcripts); c.-53G>A (NM_001349867.2, NM_001349869.2); c.-9G>A (NM_001349868.2); short protein forms R161H.
Identifiers: ClinVar variation 1380285 (VCV001380285.5), dbSNP rs759276503, ClinGen allele CA411531938.